The following is an entry in ClinVar:

ClinVar aggregate classification (germline): Uncertain significance (1 of 4 stars; one submission).

Conditions:
Malignant hyperthermia, susceptibility to, 5 (MHS5). Also called: CACNA1S-Related Malignant Hyperthermia Susceptibility. Identifiers: Orphanet 423, MedGen C1866077, MONDO:0011163, OMIM 601887.

Submission:

All of Us Research Program, National Institutes of Health
Classification: Uncertain significance for Malignant hyperthermia, susceptibility to, 5. Last evaluated: 2023-11-30. Review status: criteria provided, single submitter. Criteria: ACMG Guidelines, 2015. Collection method: clinical testing. Allele origin: germline. Inheritance: Autosomal dominant inheritance. Observed: 1 variant allele, 1 heterozygote.
Comment: This study involves interpretation of variants in research participants for the purpose of population health screening. Participant phenotype was not available at the time of variant classification. Additional details can be found in publication PMID: 35346344, PMCID: PMC8962531

NM_000069.3(CACNA1S):c.3229A>G (p.Lys1077Glu)

Gene: CACNA1S (calcium voltage-gated channel subunit alpha1 S; minus strand). Cytogenetic location: 1q32.1.
Variant type: single nucleotide variant.
Coding change: c.3229A>G on transcript NM_000069.3 (MANE Select); coding-DNA position 3229, A replaced by G.
Protein change: p.Lys1077Glu; replaces lysine 1077 with glutamic acid.
Molecular consequence: missense variant.
Genome position (GRCh38, 1-based): chr1:201,061,293, T>C on the plus strand (A>G on the coding strand, the complement: CACNA1S is on the minus strand). VCF-style: chr1-201061293-T-C. GRCh37 (hg19) VCF-style: chr1-201030421-T-C.
Other names: short protein forms K1077E.
Identifiers: ClinVar variation 3073935 (VCV003073935.1), dbSNP rs2464497155, ClinGen allele CA344161656.
Genomic context (GRCh38, chr1:201,061,293, plus strand): 5'-TCTGCCCTCCACCTCTGGCAGGCAGCCCAGGCACCTGGTTCTTGTCCAGCTCACAGTTCT[T>C]GTACTCAGTCTCTCCCTGCTCCTGGAAGGTGACAATGACGAAGCCCACAAAGATGTTCAT-3'
Protein context (NP_000060.2, residues 1067-1087): TFQEQGETEY[Lys1077Glu]NCELDKNQRQ